The following is an entry in ClinVar:

ClinVar aggregate classification (germline): Uncertain significance (1 of 4 stars; one submission).

Submission:

GeneDx
Classification: Uncertain significance. Last evaluated: 2022-03-01. Review status: criteria provided, single submitter. Criteria: GeneDx Variant Classification Process June 2021. Collection method: clinical testing. Allele origin: germline. Affected: yes.
Comment: Not observed at significant frequency in large population cohorts (gnomAD); Frameshift variant predicted to result in replacement of the last 89 amino acids, although loss-of-function variants have not been reported downstream of this position in the protein; Has not been previously published as pathogenic or benign to our knowledge

NM_001136271.3(NKX2-6):c.638_669del (p.Leu213fs)

Gene: NKX2-6 (NK2 homeobox 6; minus strand). Cytogenetic location: 8p21.2.
Variant type: Deletion.
Coding change: c.638_669del on transcript NM_001136271.3 (MANE Select); coding-DNA positions 638 to 669, 32 bases deleted.
Protein change: p.Leu213fs; shifts the reading frame from leucine 213.
Molecular consequence: frameshift variant.
Genome position (GRCh38, 1-based): chr8:23,702,688-23,702,719, 32 bases deleted; deleting any 32 consecutive bases within chr8:23,702,688-23,702,721 gives the same sequence; the c. name uses the placement nearest the transcript's 3' end. GRCh37 (hg19): chr8:23,560,203-23,560,234.
Other names: c.636_667del32, p.Leu213Argfs (NM_001136271.2); short protein forms L213fs.
Identifiers: ClinVar variation 1704762 (VCV001704762.2), dbSNP rs1801024385, ClinGen allele CA1771041557.